The following is an entry in ClinVar:

NM_001018115.3(FANCD2):c.3075C>A (p.Asn1025Lys)

Gene: FANCD2 (FA complementation group D2; plus strand). Cytogenetic location: 3p25.3.
Variant type: single nucleotide variant.
Coding change: c.3075C>A on transcript NM_001018115.3 (MANE Select); coding-DNA position 3075, C replaced by A.
Protein change: p.Asn1025Lys; replaces asparagine 1025 with lysine.
Molecular consequence: missense variant.
Genome position (GRCh38, 1-based): chr3:10,081,198, C>A. VCF-style: chr3-10081198-C-A. GRCh37 (hg19) VCF-style: chr3-10122882-C-A.
Other names: c.3075C>A, p.Asn1025Lys (NM_001319984.2, NM_001374254.1, NM_033084.6); c.2964C>A, p.Asn988Lys (NM_001374253.1); short protein forms N1025K, N988K.
Identifiers: ClinVar variation 2696475 (VCV002696475.3), dbSNP rs1693815701, ClinGen allele CA351747747.

ClinVar aggregate classification (germline): Uncertain significance (1 of 4 stars; one submission).

Conditions:
Fanconi anemia (FA). Also called: Fanconi's anemia. Identifiers: Orphanet 84, MedGen C0015625, MeSH D005199, MONDO:0019391.

Allele frequency attached by ClinVar (database versions not stated): gnomAD exomes below 0.00001.
gnomAD v4.1: 1 of 1,614,176 alleles (0.000062%); highest among the groups gnomAD compares: Non-Finnish European, 0.000085%; no homozygotes.

Submission:

Labcorp Genetics (formerly Invitae), Labcorp
Classification: Uncertain significance for Fanconi anemia. Last evaluated: 2023-11-17. Review status: criteria provided, single submitter. Criteria: Invitae Variant Classification Sherloc (09022015). Collection method: clinical testing. Allele origin: germline.
Comment: This sequence change replaces asparagine, which is neutral and polar, with lysine, which is basic and polar, at codon 1025 of the FANCD2 protein (p.Asn1025Lys). This variant is not present in population databases (gnomAD no frequency). This variant has not been reported in the literature in individuals affected with FANCD2-related conditions. Advanced modeling of protein sequence and biophysical properties (such as structural, functional, and spatial information, amino acid conservation, physicochemical variation, residue mobility, and thermodynamic stability) performed at Invitae indicates that this missense variant is not expected to disrupt FANCD2 protein function with a negative predictive value of 80%. In summary, the available evidence is currently insufficient to determine the role of this variant in disease. Therefore, it has been classified as a Variant of Uncertain Significance.